The following is an entry in ClinVar:

ClinVar aggregate classification (germline): Pathogenic/Likely pathogenic. Review status: criteria provided, multiple submitters, no conflicts (2 of 4 stars). 9 submissions from 8 submitters: Pathogenic (8); Likely pathogenic (1). Last evaluated 2025-09-19.

Conditions:
Cardiovascular phenotype. Identifiers: MedGen CN230736.
MYBPC3-related disorder. Also called: MYBPC3-related disorders; MYBPC3-related condition; MYBPC3-related disease.
Cardiomyopathy (CMYO). Also called: Cardiomyopathies. Identifiers: Orphanet 167848, MedGen C0878544, MONDO:0004994, HP:0001638. Inheritance: Various modes of inheritance.
Hypertrophic cardiomyopathy 4. Also called: Familial hypertrophic cardiomyopathy 4. Identifiers: MedGen C1861862, MONDO:0007268, OMIM 115197.
Hypertrophic cardiomyopathy. Also called: HYPERTROPHIC MYOCARDIOPATHY. Identifiers: Orphanet 217569, MedGen C0007194, MeSH D002312, MONDO:0005045, HP:0001639.

Submissions (9):

Labcorp Genetics (formerly Invitae), Labcorp
Classification: Pathogenic for Hypertrophic cardiomyopathy. Last evaluated: 2025-09-19. Review status: criteria provided, single submitter. Criteria: Invitae Variant Classification Sherloc (09022015). Collection method: clinical testing. Allele origin: germline.
Comment: This sequence change creates a premature translational stop signal (p.Lys185Glufs*56) in the MYBPC3 gene. It is expected to result in an absent or disrupted protein product. Loss-of-function variants in MYBPC3 are known to be pathogenic (PMID: 19574547). This variant is not present in population databases (gnomAD no frequency). This variant has not been reported in the literature in individuals affected with MYBPC3-related conditions. ClinVar contains an entry for this variant (Variation ID: 42771). For these reasons, this variant has been classified as Pathogenic.

Molecular Diagnostic Laboratory for Inherited Cardiovascular Disease, Montreal Heart Institute
Classification: Pathogenic for Cardiovascular phenotype. Last evaluated: 2025-02-03. Review status: criteria provided, single submitter. Criteria: ACMG Guidelines, 2015. Collection method: clinical testing. Allele origin: germline. Affected: yes.
Comment: PVS1, PS4, PP1_strong, PM2

Ambry Genetics
Classification: Pathogenic for Cardiovascular phenotype. Last evaluated: 2024-12-31. Review status: criteria provided, single submitter. Criteria: Ambry Variant Classification Scheme 2023. Collection method: clinical testing. Allele origin: germline.
Comment: The c.551dupT pathogenic mutation, located in coding exon 5 of the MYBPC3 gene, results from a duplication of T at nucleotide position 551, causing a translational frameshift with a predicted alternate stop codon (p.K185Efs*56). This variant was reported in individual(s) with features consistent with hypertrophic cardiomyopathy (Walsh R et al. Genet Med. 2017 02;19:192-203; Ambry internal data). This variant is considered to be rare based on population cohorts in the Genome Aggregation Database (gnomAD). In addition to the clinical data presented in the literature, this alteration is expected to result in loss of function by premature protein truncation or nonsense-mediated mRNA decay. As such, this alteration is interpreted as a disease-causing mutation.

GeneDx
Classification: Pathogenic. Last evaluated: 2024-12-17. Review status: criteria provided, single submitter. Criteria: GeneDx Variant Classification Process June 2021. Collection method: clinical testing. Allele origin: germline. Affected: yes.
Comment: Identified in several patients with HCM referred for genetic testing at GeneDx and in the published literature (PMID: 25611685, 27532257, 37652022); Frameshift variant predicted to result in protein truncation or nonsense mediated decay in a gene for which loss of function is a known mechanism of disease; Not observed at significant frequency in large population cohorts (gnomAD); This variant is associated with the following publications: (PMID: 27532257, 25611685, 37652022)

Blueprint Genetics
Classification: Pathogenic for MYBPC3-related disorders. Last evaluated: 2024-04-26. Review status: criteria provided, single submitter. Criteria: ACMG Guidelines, 2015. Collection method: clinical testing. Allele origin: germline. Affected: yes. Observed: 5 variant alleles.

CHEO Genetics Diagnostic Laboratory, Children's Hospital of Eastern Ontario
Classification: Pathogenic for Cardiomyopathy. Last evaluated: 2021-11-10. Review status: criteria provided, single submitter. Criteria: ACMG Guidelines, 2015. Collection method: clinical testing. Allele origin: germline. Study: Canadian Open Genetics Repository.

Molecular Diagnostic Laboratory for Inherited Cardiovascular Disease, Montreal Heart Institute
Classification: Pathogenic for Hypertrophic cardiomyopathy 4. Last evaluated: 2016-04-26. Review status: criteria provided, single submitter. Criteria: ACMG Guidelines, 2015. Collection method: clinical testing. Allele origin: germline. Inheritance: Autosomal dominant inheritance. Affected: yes. Observed: 37 variant alleles.
Comment: p.Lys185GlufsTer55 (CTGAAG>CT{T}GAAG) : c.551dupT in exon 5 of the MYBPC3 gene (NM_000256.3). The variant Lys185GlufsTer55 (p.K185EfsX55) in the MYBPC3 gene has not been reported to our knowledge. However, it was observed in more than ten (10) unrelated families tested for HCM by the Molecular Diagnostics Laboratory of the Montreal Heart Institute. It meets the following criteria of pathogenicity of the ACMG : PVS1 : The duplication of a thymidine at position 551 causes a change in the reading frame for 55 amino acids and leads to a stop codon resulting in a shortened protein of 81%. This variant is expected to result in an abnormal product : a truncated protein or loss of protein production from this allele through nonsense-mediated accelerated decay of the mRNA. PM2 :Lys185GlufsTer55 was not reported in ExAC database (more than 120,000 alleles) and was not observed in the populations of the 1000 Genome Project (more than 5000 individuals) neither in the populations of European and African American ancestry in the NHLBI Exome Sequencing Project (more than 6500 individuals). This means it is not a common benign variant in these populations. PP5 :The variant was the subject of two submissions in ClinVar: both in pathogenic category. In summary, Lys185GlufsTer55 in the MYBPC3 gene combines a very strong criteria of pathogenicity, a moderate criteria and a supporting criteria. It is interpreted as pathogenic variant.

Laboratory for Molecular Medicine, Mass General Brigham Personalized Medicine
Classification: Pathogenic for Hypertrophic cardiomyopathy. Last evaluated: 2015-08-13. Review status: criteria provided, single submitter. Criteria: LMM Criteria. Collection method: clinical testing. Allele origin: germline. Inheritance: Autosomal dominant inheritance. Observed: 5 variant alleles.
Comment: The p.Lys185fs variant in MYBPC3 has been previously identified by our laborator y in three Caucasian adults with HCM. It has not been identified in large popula tion studies, though the ability of these studies to detect indels accurately ma y be limited. This variant is predicted to cause a frameshift, which alters the protein?s amino acid sequence beginning at position 185 and leads to a premature termination codon 56 amino acids downstream. This alteration is then predicted to lead to a truncated or absent protein. Heterozygous loss-of-function of the M YBPC3 gene is an established disease mechanism in individuals with HCM. In summa ry, this variant meets our criteria to be classified as pathogenic for HCM in an autosomal dominant manner ba sed upon the predicted impact of the variant.

Stanford Center for Inherited Cardiovascular Disease, Stanford University
Classification: Likely pathogenic. Last evaluated: 2013-06-19. Review status: criteria provided, single submitter. Criteria: ACMG Guidelines, 2015. Collection method: provider interpretation. Allele origin: germline.

Literature cited by the submitters: PubMed 19574547 (cited by Labcorp Genetics (formerly Invitae), Labcorp); PubMed 25611685 (cited by Ambry Genetics); PubMed 27532257 (cited by Ambry Genetics).

NM_000256.3(MYBPC3):c.551dup (p.Lys185fs)

Gene: MYBPC3 (myosin binding protein C3; minus strand). Cytogenetic location: 11p11.2.
Variant type: Duplication.
Coding change: c.551dup on transcript NM_000256.3 (MANE Select); coding-DNA position 551, one base duplicated (T; older notation c.551dupT).
Protein change: p.Lys185fs; shifts the reading frame from lysine 185.
Genome position (GRCh38, 1-based): chr11:47,349,877, A duplicated on the plus strand (T on the coding strand, the reverse complement: MYBPC3 is on the minus strand). VCF-style (leftmost placement, unchanged base first): chr11-47349876-C-CA. GRCh37 (hg19) VCF-style: chr11-47371427-C-CA.
Other names: p.Lys185GlufsX56; c.551dupT (NM_000256.3); short protein forms K185fs.
Identifiers: ClinVar variation 42771 (VCV000042771.29), dbSNP rs397516059, ClinGen allele CA015464.